The following is an entry in ClinVar:

NM_148919.4(PSMB8):c.647G>A (p.Arg216Gln)

Gene: PSMB8 (proteasome 20S subunit beta 8; minus strand). Cytogenetic location: 6p21.32.
Variant type: single nucleotide variant.
Coding change: c.647G>A on transcript NM_148919.4 (MANE Select); coding-DNA position 647, G replaced by A.
Protein change: p.Arg216Gln; replaces arginine 216 with glutamine.
Molecular consequence: missense variant.
Genome position (GRCh38, 1-based): chr6:32,841,626, C>T on the plus strand (G>A on the coding strand, the complement: PSMB8 is on the minus strand). VCF-style: chr6-32841626-C-T. GRCh37 (hg19) VCF-style: chr6-32809403-C-T.
Other names: c.647G>A (NM_148919.3); c.635G>A, p.Arg212Gln (NM_004159.5); short protein forms R216Q, R212Q.
Identifiers: ClinVar variation 2080148 (VCV002080148.6), dbSNP rs1304795371, ClinGen allele CA363588515.

ClinVar aggregate classification (germline): Conflicting classifications of pathogenicity. Review status: criteria provided, conflicting classifications (1 of 4 stars). 3 submissions from 3 submitters: Uncertain significance (2); Likely benign (1). Last evaluated 2025-08-14.

Conditions:
Proteosome-associated autoinflammatory syndrome. Also called: Proteasome-associated autoinflammatory syndrome. Identifiers: Orphanet 324977, MedGen C1850568, MONDO:0009726.
Inborn genetic diseases. Identifiers: MedGen C0950123, MeSH D030342.

Allele frequency attached by ClinVar (database versions not stated): gnomAD exomes 0.00001; TOPMed 0.00001; gnomAD 0.00002.
gnomAD v4.1: 21 of 1,612,822 alleles (0.0013%); highest among the groups gnomAD compares: African/African-American, 0.0027%; no homozygotes.

Submissions (3):

Ambry Genetics
Classification: Likely benign for Inborn genetic diseases. Last evaluated: 2025-08-14. Review status: criteria provided, single submitter. Criteria: Ambry Variant Classification Scheme 2023. Collection method: clinical testing. Allele origin: germline.

GeneDx
Classification: Uncertain significance. Last evaluated: 2024-12-05. Review status: criteria provided, single submitter. Criteria: GeneDx Variant Classification Process June 2021. Collection method: clinical testing. Allele origin: germline. Affected: yes.
Comment: Not observed at significant frequency in large population cohorts (gnomAD); In silico analysis indicates that this missense variant does not alter protein structure/function; Has not been previously published as pathogenic or benign to our knowledge

Labcorp Genetics (formerly Invitae), Labcorp
Classification: Uncertain significance for Proteosome-associated autoinflammatory syndrome. Last evaluated: 2024-02-18. Review status: criteria provided, single submitter. Criteria: Invitae Variant Classification Sherloc (09022015). Collection method: clinical testing. Allele origin: germline.
Comment: This sequence change replaces arginine, which is basic and polar, with glutamine, which is neutral and polar, at codon 216 of the PSMB8 protein (p.Arg216Gln). This variant is not present in population databases (gnomAD no frequency). This variant has not been reported in the literature in individuals affected with PSMB8-related conditions. ClinVar contains an entry for this variant (Variation ID: 2080148). Advanced modeling of protein sequence and biophysical properties (such as structural, functional, and spatial information, amino acid conservation, physicochemical variation, residue mobility, and thermodynamic stability) performed at Invitae indicates that this missense variant is not expected to disrupt PSMB8 protein function with a negative predictive value of 80%. In summary, the available evidence is currently insufficient to determine the role of this variant in disease. Therefore, it has been classified as a Variant of Uncertain Significance.